The following is an entry in ClinVar:

ClinVar aggregate classification (germline): Uncertain significance. Review status: criteria provided, multiple submitters, no conflicts (2 of 4 stars). 2 submissions from 2 submitters: Uncertain significance (2). Last evaluated 2025-05-27.

Conditions:
Hereditary cancer-predisposing syndrome. Also called: Hereditary neoplastic syndrome; Hereditary Cancer Syndrome; Tumor predisposition; Neoplastic Syndromes, Hereditary. Identifiers: Orphanet 140162, MedGen C0027672, MeSH D009386, MONDO:0015356.
Hereditary nonpolyposis colorectal neoplasms. Identifiers: MedGen C0009405, MeSH D003123.

Submissions (2):

Ambry Genetics
Classification: Uncertain significance for Hereditary cancer-predisposing syndrome. Last evaluated: 2025-05-27. Review status: criteria provided, single submitter. Criteria: Ambry Variant Classification Scheme 2023. Collection method: clinical testing. Allele origin: germline.
Comment: The p.L355V variant (also known as c.1063T>G), located in coding exon 10 of the PMS2 gene, results from a T to G substitution at nucleotide position 1063. The leucine at codon 355 is replaced by valine, an amino acid with highly similar properties. This amino acid position is conserved. In addition, the in silico prediction for this alteration is inconclusive. Based on the available evidence, the clinical significance of this variant remains unclear.

Labcorp Genetics (formerly Invitae), Labcorp
Classification: Uncertain significance for Hereditary nonpolyposis colorectal neoplasms. Last evaluated: 2025-05-11. Review status: criteria provided, single submitter. Criteria: Invitae Variant Classification Sherloc (09022015). Collection method: clinical testing. Allele origin: germline.
Comment: This sequence change replaces leucine, which is neutral and non-polar, with valine, which is neutral and non-polar, at codon 355 of the PMS2 protein (p.Leu355Val). This variant is not present in population databases (gnomAD no frequency). This variant has not been reported in the literature in individuals affected with PMS2-related conditions. ClinVar contains an entry for this variant (Variation ID: 2131918). Invitae Evidence Modeling incorporating data from in vitro experimental studies (internal data) indicates that this missense variant is not expected to disrupt PMS2 function with a negative predictive value of 95%. In summary, the available evidence is currently insufficient to determine the role of this variant in disease. Therefore, it has been classified as a Variant of Uncertain Significance.

NM_000535.7(PMS2):c.1063T>G (p.Leu355Val)

Gene: PMS2 (PMS1 homolog 2, mismatch repair system component; minus strand). Cytogenetic location: 7p22.1.
Variant type: single nucleotide variant.
Coding change: c.1063T>G on transcript NM_000535.7 (MANE Select); coding-DNA position 1063, T replaced by G.
Protein change: p.Leu355Val; replaces leucine 355 with valine.
Molecular consequence: missense variant. On other transcripts: non-coding transcript variant (1), intron variant (2).
Genome position (GRCh38, 1-based): chr7:5,989,881, A>C on the plus strand (T>G on the coding strand, the complement: PMS2 is on the minus strand). VCF-style: chr7-5989881-A-C. GRCh37 (hg19) VCF-style: chr7-6029512-A-C.
Other names: c.658T>G, p.Leu220Val (NM_001018040.1, NM_001322003.2, NM_001322004.2 and 17 more transcripts); c.745T>G, p.Leu249Val (NM_001322007.2, NM_001322008.2, NM_001406883.1 and 2 more transcripts); c.130T>G, p.Leu44Val (NM_001322011.2, NM_001322012.2); c.490T>G, p.Leu164Val (NM_001322013.2, NM_001406909.1); c.1063T>G, p.Leu355Val (NM_001322014.2, NM_001406871.1, NM_001406872.1); c.754T>G, p.Leu252Val (NM_001322015.2, NM_001406878.1, NM_001406879.1 and 5 more transcripts); c.1249T>G, p.Leu417Val (NM_001406866.1); c.1087T>G, p.Leu363Val (NM_001406868.1); and 9 more; short protein forms L164V, L249V, L44V, L98V, L252V, L363V, L184V, L233V.
Identifiers: ClinVar variation 2131918 (VCV002131918.5), dbSNP rs1783533003, ClinGen allele CA366742887.